The following is an entry in ClinVar:

NM_001080449.3(DNA2):c.3037C>T (p.Leu1013Phe)

Gene: DNA2 (DNA replication helicase/nuclease 2; minus strand). Cytogenetic location: 10q21.3.
Variant type: single nucleotide variant.
Coding change: c.3037C>T on transcript NM_001080449.3 (MANE Select); coding-DNA position 3037, C replaced by T.
Protein change: p.Leu1013Phe; replaces leucine 1013 with phenylalanine.
Molecular consequence: missense variant. On other transcripts: non-coding transcript variant (1).
Genome position (GRCh38, 1-based): chr10:68,416,786, G>A on the plus strand (C>T on the coding strand, the complement: DNA2 is on the minus strand). VCF-style: chr10-68416786-G-A. GRCh37 (hg19) VCF-style: chr10-70176543-G-A.
Other names: short protein forms L1013F.
Identifiers: ClinVar variation 1406053 (VCV001406053.6), dbSNP rs532598495, ClinGen allele CA5524678.

ClinVar aggregate classification (germline): Uncertain significance (1 of 4 stars; one submission).

Allele frequency attached by ClinVar (database versions not stated): gnomAD 0.00001; gnomAD exomes 0.00001; ExAC 0.00002; 1000 Genomes Project 30x 0.00016; 1000 Genomes Project 0.00020.
gnomAD v4.1: 20 of 1,613,880 alleles (0.0012%); highest among the groups gnomAD compares: South Asian, 0.014%; no homozygotes.

Submission:

Labcorp Genetics (formerly Invitae), Labcorp
Classification: Uncertain significance. Last evaluated: 2025-12-18. Review status: criteria provided, single submitter. Criteria: Invitae Variant Classification Sherloc (09022015). Collection method: clinical testing. Allele origin: germline.
Comment: This sequence change replaces leucine, which is neutral and non-polar, with phenylalanine, which is neutral and non-polar, at codon 1013 of the DNA2 protein (p.Leu1013Phe). This variant is present in population databases (rs532598495, gnomAD 0.01%). This variant has not been reported in the literature in individuals affected with DNA2-related conditions. ClinVar contains an entry for this variant (Variation ID: 1406053). Invitae Evidence Modeling of protein sequence and biophysical properties (such as structural, functional, and spatial information, amino acid conservation, physicochemical variation, residue mobility, and thermodynamic stability) indicates that this missense variant is not expected to disrupt DNA2 protein function with a negative predictive value of 80%. In summary, the available evidence is currently insufficient to determine the role of this variant in disease. Therefore, it has been classified as a Variant of Uncertain Significance.